The following is an entry in ClinVar:

ClinVar aggregate classification (germline): Uncertain significance (1 of 4 stars; one submission).

Conditions:
Hereditary cancer-predisposing syndrome. Also called: Neoplastic Syndromes, Hereditary; Tumor predisposition; Hereditary Cancer Syndrome; Hereditary neoplastic syndrome. Identifiers: Orphanet 140162, MedGen C0027672, MeSH D009386, MONDO:0015356.

Submission:

Ambry Genetics
Classification: Uncertain significance for Hereditary cancer-predisposing syndrome. Last evaluated: 2025-12-15. Review status: criteria provided, single submitter. Criteria: Ambry Variant Classification Scheme 2023. Collection method: clinical testing. Allele origin: germline.
Comment: The p.S387P variant (also known as c.1159T>C), located in coding exon 4 of the PALB2 gene, results from a T to C substitution at nucleotide position 1159. The serine at codon 387 is replaced by proline, an amino acid with similar properties. This amino acid position is conserved. In addition, this alteration is predicted to be tolerated by in silico analysis. Based on the available evidence, the clinical significance of this variant remains unclear.

NM_024675.4(PALB2):c.1159T>C (p.Ser387Pro)

Gene: PALB2 (partner and localizer of BRCA2; minus strand). Cytogenetic location: 16p12.2.
Variant type: single nucleotide variant.
Coding change: c.1159T>C on transcript NM_024675.4 (MANE Select); coding-DNA position 1159, T replaced by C.
Protein change: p.Ser387Pro; replaces serine 387 with proline.
Molecular consequence: missense variant. On other transcripts: intron variant (3).
Genome position (GRCh38, 1-based): chr16:23,635,387, A>G on the plus strand (T>C on the coding strand, the complement: PALB2 is on the minus strand). VCF-style: chr16-23635387-A-G. GRCh37 (hg19) VCF-style: chr16-23646708-A-G.
Other names: c.1099T>C, p.Ser367Pro (NM_001407296.1); c.1159T>C, p.Ser387Pro (NM_001407297.1, NM_001407298.1, NM_001407299.1 and 3 more transcripts); c.48+5723T>C (NM_001407314.1); c.-104-4918T>C (NM_001407313.1, NM_001407312.1); c.274T>C, p.Ser92Pro (NM_001407304.1, NM_001407305.1, NM_001407306.1 and 5 more transcripts); short protein forms S367P, S387P, S92P.
Identifiers: ClinVar variation 4843731 (VCV004843731.1).